The following is an entry in ClinVar:

NM_005477.3(HCN4):c.2864C>G (p.Pro955Arg)

Gene: HCN4 (hyperpolarization activated cyclic nucleotide gated potassium channel 4; minus strand). Cytogenetic location: 15q24.1.
Variant type: single nucleotide variant.
Coding change: c.2864C>G on transcript NM_005477.3 (MANE Select); coding-DNA position 2864, C replaced by G.
Protein change: p.Pro955Arg; replaces proline 955 with arginine.
Molecular consequence: missense variant.
Genome position (GRCh38, 1-based): chr15:73,323,229, G>C on the plus strand (C>G on the coding strand, the complement: HCN4 is on the minus strand). VCF-style: chr15-73323229-G-C. GRCh37 (hg19) VCF-style: chr15-73615570-G-C.
Other names: short protein forms P955R.
Identifiers: ClinVar variation 1479789 (VCV001479789.7), dbSNP rs371562763, ClinGen allele CA393087235.

ClinVar aggregate classification (germline): Uncertain significance. Review status: criteria provided, multiple submitters, no conflicts (2 of 4 stars). 2 submissions from 2 submitters: Uncertain significance (2). Last evaluated 2025-02-18.

Conditions:
Brugada syndrome 8 (BRGDA8). Identifiers: Orphanet 130, MedGen C2751083, MONDO:0013148, OMIM 613123.

gnomAD v4.1: 2 of 1,527,886 alleles (0.00013%); highest among the groups gnomAD compares: Non-Finnish European, 0.00018%; no homozygotes.

Submissions (2):

Women's Health and Genetics/Laboratory Corporation of America, LabCorp
Classification: Uncertain significance. Last evaluated: 2025-02-18. Review status: criteria provided, single submitter. Criteria: LabCorp Variant Classification Summary - May 2015. Collection method: clinical testing. Allele origin: germline.

Labcorp Genetics (formerly Invitae), Labcorp
Classification: Uncertain significance for Brugada syndrome 8. Last evaluated: 2023-03-30. Review status: criteria provided, single submitter. Criteria: Invitae Variant Classification Sherloc (09022015). Collection method: clinical testing. Allele origin: germline.
Comment: In summary, the available evidence is currently insufficient to determine the role of this variant in disease. Therefore, it has been classified as a Variant of Uncertain Significance. Advanced modeling of protein sequence and biophysical properties (such as structural, functional, and spatial information, amino acid conservation, physicochemical variation, residue mobility, and thermodynamic stability) performed at Invitae indicates that this missense variant is not expected to disrupt HCN4 protein function. ClinVar contains an entry for this variant (Variation ID: 1479789). This variant has not been reported in the literature in individuals affected with HCN4-related conditions. The frequency data for this variant in the population databases is considered unreliable, as metrics indicate poor data quality at this position in the gnomAD database. This sequence change replaces proline, which is neutral and non-polar, with arginine, which is basic and polar, at codon 955 of the HCN4 protein (p.Pro955Arg).